The following is an entry in ClinVar:

NM_182961.4(SYNE1):c.19166C>G (p.Ala6389Gly)

Gene: SYNE1 (spectrin repeat containing nuclear envelope protein 1; minus strand). Cytogenetic location: 6q25.2.
Variant type: single nucleotide variant.
Coding change: c.19166C>G on transcript NM_182961.4 (MANE Select); coding-DNA position 19166, C replaced by G.
Protein change: p.Ala6389Gly; replaces alanine 6389 with glycine.
Molecular consequence: missense variant.
Genome position (GRCh38, 1-based): chr6:152,255,685, G>C on the plus strand (C>G on the coding strand, the complement: SYNE1 is on the minus strand). VCF-style: chr6-152255685-G-C. GRCh37 (hg19) VCF-style: chr6-152576820-G-C.
Other names: c.18953C>G, p.Ala6318Gly (NM_033071.5); short protein forms A6389G, A6318G.
Identifiers: ClinVar variation 2127758 (VCV002127758.4), dbSNP rs2551849302, ClinGen allele CA366137023.

ClinVar aggregate classification (germline): Uncertain significance (1 of 4 stars; one submission).

Conditions:
Emery-Dreifuss muscular dystrophy 4, autosomal dominant (EDMD4). Also called: EMERY-DREIFUSS MUSCULAR DYSTROPHY 4 WITH VARIABLE FEATURES. Identifiers: Orphanet 261, MedGen C2751807, MONDO:0013071, OMIM 612998.
Autosomal recessive ataxia, Beauce type. Also called: SYNE1 Deficiency; Spinocerebellar ataxia, autosomal recessive 8; ATAXIA, RECESSIVE, OF BEAUCE; SYNE1-Related Autosomal Recessive Cerebellar Ataxia. Identifiers: Orphanet 88644, MedGen C1853116, MONDO:0012549, OMIM 610743.

Submission:

Labcorp Genetics (formerly Invitae), Labcorp
Classification: Uncertain significance for Emery-Dreifuss muscular dystrophy 4, autosomal dominant; Autosomal recessive ataxia, Beauce type. Last evaluated: 2022-04-26. Review status: criteria provided, single submitter. Criteria: Invitae Variant Classification Sherloc (09022015). Collection method: clinical testing. Allele origin: germline.
Comment: In summary, the available evidence is currently insufficient to determine the role of this variant in disease. Therefore, it has been classified as a Variant of Uncertain Significance. Algorithms developed to predict the effect of missense changes on protein structure and function are either unavailable or do not agree on the potential impact of this missense change (SIFT: "Deleterious"; PolyPhen-2: "Possibly Damaging"; Align-GVGD: "Class C0"). This variant has not been reported in the literature in individuals affected with SYNE1-related conditions. This variant is not present in population databases (gnomAD no frequency). This sequence change replaces alanine, which is neutral and non-polar, with glycine, which is neutral and non-polar, at codon 6318 of the SYNE1 protein (p.Ala6318Gly).